The following is an entry in ClinVar:

ClinVar aggregate classification (germline): Uncertain significance (1 of 4 stars; one submission).

gnomAD v4.1: 2 of 1,614,224 alleles (0.00012%); highest among the groups gnomAD compares: Non-Finnish European, 0.00017%; no homozygotes.

Submission:

Labcorp Genetics (formerly Invitae), Labcorp
Classification: Uncertain significance. Last evaluated: 2023-04-17. Review status: criteria provided, single submitter. Criteria: Invitae Variant Classification Sherloc (09022015). Collection method: clinical testing. Allele origin: germline.
Comment: This variant has not been reported in the literature in individuals affected with MYLK3-related conditions. This variant is not present in population databases (gnomAD no frequency). This sequence change replaces asparagine, which is neutral and polar, with lysine, which is basic and polar, at codon 33 of the MYLK3 protein (p.Asn33Lys). An algorithm developed to predict the effect of missense changes on protein structure and function (PolyPhen-2) suggests that this variant is likely to be disruptive. In summary, the available evidence is currently insufficient to determine the role of this variant in disease. Therefore, it has been classified as a Variant of Uncertain Significance.

NM_182493.3(MYLK3):c.99C>A (p.Asn33Lys)

Gene: MYLK3 (myosin light chain kinase 3; minus strand). Cytogenetic location: 16q11.2.
Variant type: single nucleotide variant.
Coding change: c.99C>A on transcript NM_182493.3 (MANE Select); coding-DNA position 99, C replaced by A.
Protein change: p.Asn33Lys; replaces asparagine 33 with lysine.
Molecular consequence: missense variant. On other transcripts: intron variant (1).
Genome position (GRCh38, 1-based): chr16:46,748,095, G>T on the plus strand (C>A on the coding strand, the complement: MYLK3 is on the minus strand). VCF-style: chr16-46748095-G-T. GRCh37 (hg19) VCF-style: chr16-46782007-G-T.
Other names: c.-113-7948C>A (NM_001308301.1); short protein forms N33K.
Identifiers: ClinVar variation 2857086 (VCV002857086.3), dbSNP rs116998681, ClinGen allele CA395799080.